The following is an entry in ClinVar:

ClinVar aggregate classification (germline): Uncertain significance. Review status: criteria provided, multiple submitters, no conflicts (2 of 4 stars). 3 submissions from 3 submitters: Uncertain significance (2). 1 of the submissions does not count toward it. Last evaluated 2025-04-07.

Conditions:
Primary ciliary dyskinesia. Also called: Ciliary dyskinesia. Identifiers: Orphanet 244, MedGen C0008780, MONDO:0016575, HP:0012265.

Allele frequency attached by ClinVar (database versions not stated): gnomAD exomes below 0.00001; gnomAD 0.00002; TOPMed 0.00002.
gnomAD v4.1: 6 of 1,614,062 alleles (0.00037%); highest among the groups gnomAD compares: African/African-American, 0.0013%; no homozygotes.

Submissions (3):

Ambry Genetics
Classification: Uncertain significance for Primary ciliary dyskinesia. Last evaluated: 2025-04-07. Review status: criteria provided, single submitter. Criteria: Ambry Variant Classification Scheme 2023. Collection method: clinical testing. Allele origin: germline.

Labcorp Genetics (formerly Invitae), Labcorp
Classification: Uncertain significance for Primary ciliary dyskinesia. Last evaluated: 2021-08-30. Review status: criteria provided, single submitter. Criteria: Invitae Variant Classification Sherloc (09022015). Collection method: clinical testing. Allele origin: germline.
Comment: This sequence change replaces leucine with phenylalanine at codon 3438 of the DNAH5 protein (p.Leu3438Phe). The leucine residue is weakly conserved and there is a small physicochemical difference between leucine and phenylalanine. This variant is not present in population databases (ExAC no frequency). This variant has not been reported in the literature in individuals affected with DNAH5-related conditions. Algorithms developed to predict the effect of missense changes on protein structure and function (SIFT, PolyPhen-2, Align-GVGD) all suggest that this variant is likely to be tolerated. In summary, the available evidence is currently insufficient to determine the role of this variant in disease. Therefore, it has been classified as a Variant of Uncertain Significance.

Natera, Inc.
Classification: Uncertain significance for Primary ciliary dyskinesia. Last evaluated: 2020-08-24. Review status: no assertion criteria provided. Collection method: clinical testing. Allele origin: germline. Not counted in ClinVar's aggregate classification.

NM_001369.3(DNAH5):c.10312C>T (p.Leu3438Phe)

Gene: DNAH5 (dynein axonemal heavy chain 5; minus strand). Cytogenetic location: 5p15.2.
Variant type: single nucleotide variant.
Coding change: c.10312C>T on transcript NM_001369.3 (MANE Select); coding-DNA position 10312, C replaced by T.
Protein change: p.Leu3438Phe; replaces leucine 3438 with phenylalanine.
Molecular consequence: missense variant.
Genome position (GRCh38, 1-based): chr5:13,758,953, G>A on the plus strand (C>T on the coding strand, the complement: DNAH5 is on the minus strand). VCF-style: chr5-13758953-G-A. GRCh37 (hg19) VCF-style: chr5-13759062-G-A.
Other names: c.10312C>T (NM_001369.2); short protein forms L3438F.
Identifiers: ClinVar variation 1010482 (VCV001010482.11), dbSNP rs1165709485, ClinGen allele CA359195870.